The following is an entry in ClinVar:

ClinVar aggregate classification (germline): Uncertain significance (1 of 4 stars; one submission).

Conditions:
Ataxia-telangiectasia syndrome (AT). Also called: LOUIS-BAR SYNDROME; Cerebello-oculocutaneous telangiectasia; Immunodeficiency with ataxia telangiectasia; Ataxia telangiectasia (A-T); Ataxia-telangiectasia, complementation group D; AT, COMPLEMENTATION GROUP C. Identifiers: Orphanet 100, MedGen C0004135, MONDO:0008840, OMIM 208900.

Submission:

Labcorp Genetics (formerly Invitae), Labcorp
Classification: Uncertain significance for Ataxia-telangiectasia syndrome. Last evaluated: 2023-02-14. Review status: criteria provided, single submitter. Criteria: Invitae Variant Classification Sherloc (09022015). Collection method: clinical testing. Allele origin: germline.
Comment: In summary, the available evidence is currently insufficient to determine the role of this variant in disease. Therefore, it has been classified as a Variant of Uncertain Significance. Experimental studies and prediction algorithms are not available or were not evaluated, and the functional significance of this variant is currently unknown. This variant has not been reported in the literature in individuals affected with ATM-related conditions. This variant is not present in population databases (gnomAD no frequency). This variant, c.8874_8930dup, results in the insertion of 19 amino acid(s) of the ATM protein (p.Asp2976_Glu2977ins19), but otherwise preserves the integrity of the reading frame.

NM_000051.4(ATM):c.8874_8930dup (p.Asp2976_Glu2977insAspAspTrpThrMetAsnProLeuLysAlaLeuTyrLeuGlnGlnArgProGluAsp)

Genes: ATM (ATM serine/threonine kinase; plus strand), C11orf65 (chromosome 11 open reading frame 65; minus strand). Cytogenetic location: 11q22.3.
Variant type: Duplication.
Coding change: c.8874_8930dup on transcript NM_000051.4 (MANE Select); coding-DNA positions 8874 to 8930, 57 bases duplicated.
Protein change: p.Asp2976_Glu2977insAspAspTrpThrMetAsnProLeuLysAlaLeuTyrLeuGlnGlnArgProGluAsp.
Molecular consequence: inframe insertion. On other transcripts: intron variant (2).
Genome position (GRCh38, 1-based): chr11:108,365,105-108,365,161, 57 bases duplicated. GRCh37 (hg19): chr11:108,235,832-108,235,888.
Other names: c.8874_8930dup, p.Asp2976_Glu2977insAspAspTrpThrMetAsnProLeuLysAlaLeuTyrLeuGlnGlnArgProGluAsp (NM_001351834.2); c.640+20759_640+20815dup (NM_001330368.2); c.694+20759_694+20815dup (NM_001351110.2).
Identifiers: ClinVar variation 2836869 (VCV002836869.3), dbSNP rs2547674567, ClinGen allele CA2739265985.